The following is an entry in ClinVar:

ClinVar aggregate classification (germline): Conflicting classifications of pathogenicity. Review status: criteria provided, conflicting classifications (1 of 4 stars). 4 submissions from 4 submitters: Uncertain significance (3); Likely benign (1). Last evaluated 2025-04-01.

Conditions:
TSC1-related disorder. Also called: TSC1-related condition.
Tuberous sclerosis 1 (TSC1). Identifiers: Orphanet 805, MedGen C1854465, MONDO:0008612, OMIM 191100.
Hereditary cancer-predisposing syndrome. Also called: Neoplastic Syndromes, Hereditary; Hereditary Cancer Syndrome; Tumor predisposition; Hereditary neoplastic syndrome. Identifiers: Orphanet 140162, MedGen C0027672, MeSH D009386, MONDO:0015356.

Allele frequency attached by ClinVar (database versions not stated): gnomAD exomes below 0.00001.
gnomAD v4.1: 1 of 1,613,494 alleles (0.000062%); highest among the groups gnomAD compares: Admixed American, 0.0017%; no homozygotes.

Submissions (4):

Ambry Genetics
Classification: Likely benign for Hereditary cancer-predisposing syndrome. Last evaluated: 2025-04-01. Review status: criteria provided, single submitter. Criteria: Ambry Variant Classification Scheme 2023. Collection method: clinical testing. Allele origin: germline.

Quest Diagnostics Nichols Institute San Juan Capistrano
Classification: Uncertain significance. Last evaluated: 2025-03-25. Review status: criteria provided, single submitter. Criteria: Quest Diagnostics criteria. Collection method: clinical testing. Allele origin: unknown.

Labcorp Genetics (formerly Invitae), Labcorp
Classification: Uncertain significance for Tuberous sclerosis 1. Last evaluated: 2023-07-25. Review status: criteria provided, single submitter. Criteria: Invitae Variant Classification Sherloc (09022015). Collection method: clinical testing. Allele origin: germline.
Comment: This sequence change replaces threonine, which is neutral and polar, with isoleucine, which is neutral and non-polar, at codon 345 of the TSC1 protein (p.Thr345Ile). This variant is not present in population databases (gnomAD no frequency). This variant has not been reported in the literature in individuals affected with TSC1-related conditions. ClinVar contains an entry for this variant (Variation ID: 1432697). Advanced modeling of protein sequence and biophysical properties (such as structural, functional, and spatial information, amino acid conservation, physicochemical variation, residue mobility, and thermodynamic stability) performed at Invitae indicates that this missense variant is not expected to disrupt TSC1 protein function. In summary, the available evidence is currently insufficient to determine the role of this variant in disease. Therefore, it has been classified as a Variant of Uncertain Significance.

PreventionGenetics, part of Exact Sciences
Classification: Uncertain significance for TSC1-related condition. Last evaluated: 2023-06-26. Review status: criteria provided, single submitter. Criteria: ACMG Guidelines, 2015. Collection method: clinical testing. Allele origin: germline.
Comment: The TSC1 c.1034C>T variant is predicted to result in the amino acid substitution p.Thr345Ile. To our knowledge, this variant has not been reported in the literature or in a large population database, indicating this variant is rare. At this time, the clinical significance of this variant is uncertain due to the absence of conclusive functional and genetic evidence.

NM_000368.5(TSC1):c.1034C>T (p.Thr345Ile)

Gene: TSC1 (TSC complex subunit 1; minus strand). Cytogenetic location: 9q34.13.
Variant type: single nucleotide variant.
Coding change: c.1034C>T on transcript NM_000368.5 (MANE Select); coding-DNA position 1034, C replaced by T.
Protein change: p.Thr345Ile; replaces threonine 345 with isoleucine.
Molecular consequence: missense variant.
Genome position (GRCh38, 1-based): chr9:132,911,109, G>A on the plus strand (C>T on the coding strand, the complement: TSC1 is on the minus strand). VCF-style: chr9-132911109-G-A. GRCh37 (hg19) VCF-style: chr9-135786496-G-A.
Other names: c.1034C>T (NM_000368.4); c.1034C>T, p.Thr345Ile (NM_001162426.2); c.881C>T, p.Thr294Ile (NM_001162427.2); c.671C>T, p.Thr224Ile (NM_001362177.2); short protein forms T224I, T294I, T345I.
Identifiers: ClinVar variation 1432697 (VCV001432697.11), dbSNP rs1845934094, ClinGen allele CA375367899.